The following is an entry in ClinVar:

ClinVar aggregate classification (germline): Uncertain significance (1 of 4 stars; one submission).

Conditions:
Leigh syndrome (NULS). Also called: Leigh's necrotizing encephalopathy; Leigh's disease; Leigh Syndrome (mtDNA deletion); Leigh Disease; Subacute necrotizing encephalopathy; Necrotizing encephalopathy infantile subacute of Leigh. Identifiers: Orphanet 506, MedGen C2931891, MONDO:0009723, OMIM 256000.

Submission:

Wong Mito Lab, Molecular and Human Genetics, Baylor College of Medicine
Classification: Uncertain significance for Leigh syndrome. Last evaluated: 2019-10-17. Review status: criteria provided, single submitter. Criteria: Modified ACMG Guidelines (Unpublished). Collection method: clinical testing. Allele origin: germline.
Comment: The NC_012920.1:m.4488C>T (YP_003024027.1:p.Pro7Ser) variant in MTND2 gene is interpretated to be a Uncertain Significance variant based on the modified ACMG guidelines (unpublished). This variant meets the following evidence codes: PP6, PP7

NC_012920.1(MT-ND2):m.4488C>T

Gene: MT-ND2 (mitochondrially encoded NADH dehydrogenase 2; plus strand).
Variant type: single nucleotide variant.
Genome position: chrM-4488-C-T.
Identifiers: ClinVar variation 692447 (VCV000692447.1), dbSNP rs1603219476, ClinGen allele CA414774580.
Genomic context (GRCh38, chrMT:4,488, plus strand): 5'-GGCCCATACCCCGAAAATGTTGGTTATACCCTTCCCGTACTAATTAATCCCCTGGCCCAA[C>T]CCGTCATCTACTCTACCATCTTTGCAGGCACACTCATCACAGCGCTAAGCTCGCACTGAT-3'